The following is an entry in ClinVar:

ClinVar aggregate classification (germline): Likely benign. Review status: criteria provided, single submitter (1 of 4 stars). 2 submissions from 2 submitters: Likely benign (1). 1 of the submissions does not count toward it. Last evaluated 2023-06-10.

Conditions:
Cohen syndrome (COH1). Also called: Cutis verticis gyrata, retinitis pigmentosa, and sensorineural deafness; PEPPER SYNDROME. Identifiers: Orphanet 193, MedGen C0265223, MONDO:0008999, OMIM 216550.
VPS13B-related disorder. Also called: VPS13B-related condition.

Submissions (2):

Labcorp Genetics (formerly Invitae), Labcorp
Classification: Likely benign for Cohen syndrome. Last evaluated: 2023-06-10. Review status: criteria provided, single submitter. Criteria: Invitae Variant Classification Sherloc (09022015). Collection method: clinical testing. Allele origin: germline.

PreventionGenetics, part of Exact Sciences
Classification: Likely benign for VPS13B-related condition. Last evaluated: 2024-08-21. Review status: no assertion criteria provided. Collection method: clinical testing. Allele origin: germline. Not counted in ClinVar's aggregate classification.
Comment: This variant is classified as likely benign based on ACMG/AMP sequence variant interpretation guidelines (Richards et al. 2015 PMID: 25741868, with internal and published modifications).

NM_152564.5(VPS13B):c.9705A>G (p.Arg3235=)

Gene: VPS13B (vacuolar protein sorting 13 homolog B; plus strand). Cytogenetic location: 8q22.2.
Variant type: single nucleotide variant.
Coding change: c.9705A>G on transcript NM_152564.5 (MANE Select); coding-DNA position 9705, A replaced by G.
Protein change: p.Arg3235=; no amino-acid change (arginine 3235 retained).
Molecular consequence: synonymous variant.
Genome position (GRCh38, 1-based): chr8:99,835,287, A>G. VCF-style: chr8-99835287-A-G. GRCh37 (hg19) VCF-style: chr8-100847515-A-G.
Other names: c.9780A>G, p.Arg3260= (NM_017890.5).
Identifiers: ClinVar variation 3018741 (VCV003018741.4), dbSNP rs1286562705, ClinGen allele CA462340635.